The following is an entry in ClinVar:

NM_006031.6(PCNT):c.8071C>T (p.Arg2691Trp)

Gene: PCNT (pericentrin; plus strand). Cytogenetic location: 21q22.3.
Variant type: single nucleotide variant.
Coding change: c.8071C>T on transcript NM_006031.6 (MANE Select); coding-DNA position 8071, C replaced by T.
Protein change: p.Arg2691Trp; replaces arginine 2691 with tryptophan.
Molecular consequence: missense variant.
Genome position (GRCh38, 1-based): chr21:46,431,535, C>T. VCF-style: chr21-46431535-C-T. GRCh37 (hg19) VCF-style: chr21-47851449-C-T.
Other names: c.7717C>T, p.Arg2573Trp (NM_001315529.2); short protein forms R2691W, R2573W.
Identifiers: ClinVar variation 1510511 (VCV001510511.3), dbSNP rs112087468, ClinGen allele CA322016328.

ClinVar aggregate classification (germline): Uncertain significance (1 of 4 stars; one submission).

Allele frequency attached by ClinVar (database versions not stated): gnomAD 0.00001.
gnomAD v4.1: 4 of 1,613,916 alleles (0.00025%); highest among the groups gnomAD compares: East Asian, 0.0022%; no homozygotes.

Submission:

Labcorp Genetics (formerly Invitae), Labcorp
Classification: Uncertain significance. Last evaluated: 2022-07-06. Review status: criteria provided, single submitter. Criteria: Invitae Variant Classification Sherloc (09022015). Collection method: clinical testing. Allele origin: germline.
Comment: This sequence change replaces arginine, which is basic and polar, with tryptophan, which is neutral and slightly polar, at codon 2691 of the PCNT protein (p.Arg2691Trp). This variant is not present in population databases (gnomAD no frequency). This variant has not been reported in the literature in individuals affected with PCNT-related conditions. ClinVar contains an entry for this variant (Variation ID: 1510511). Algorithms developed to predict the effect of missense changes on protein structure and function are either unavailable or do not agree on the potential impact of this missense change (SIFT: "Deleterious"; PolyPhen-2: "Benign"; Align-GVGD: "Class C0"). In summary, the available evidence is currently insufficient to determine the role of this variant in disease. Therefore, it has been classified as a Variant of Uncertain Significance.